The following is an entry in ClinVar:

NM_001103.4(ACTN2):c.1109A>T (p.Asp370Val)

Gene: ACTN2 (actinin alpha 2; plus strand). Cytogenetic location: 1q43.
Variant type: single nucleotide variant.
Coding change: c.1109A>T on transcript NM_001103.4 (MANE Select); coding-DNA position 1109, A replaced by T.
Protein change: p.Asp370Val; replaces aspartic acid 370 with valine.
Molecular consequence: missense variant.
Genome position (GRCh38, 1-based): chr1:236,742,897, A>T. VCF-style: chr1-236742897-A-T. GRCh37 (hg19) VCF-style: chr1-236906197-A-T.
Other names: c.1109A>T, p.Asp370Val (NM_001278343.2); c.485A>T, p.Asp162Val (NM_001278344.2); c.359A>T, p.Asp120Val (NM_001412150.1); short protein forms D120V, D162V, D370V.
Identifiers: ClinVar variation 2134008 (VCV002134008.4), dbSNP rs2527609086, ClinGen allele CA345381897.

ClinVar aggregate classification (germline): Uncertain significance (1 of 4 stars; one submission).

Conditions:
Dilated cardiomyopathy 1AA (CMD1AA). Also called: CARDIOMYOPATHY, DILATED, 1AA, WITH OR WITHOUT LEFT VENTRICULAR NONCOMPACTION; CARDIOMYOPATHY, FAMILIAL HYPERTROPHIC, 23, WITH OR WITHOUT LEFT VENTRICULAR NONCOMPACTION; Cardiomyopathy, dilated, 1AA, with or without LVNC. Identifiers: Orphanet 154, MedGen C2677338, MONDO:0012808, OMIM 612158.
Primary familial hypertrophic cardiomyopathy (HCM). Identifiers: Orphanet 99739, MedGen C0949658, MeSH D024741, MONDO:0024573. Inheritance: Various modes of inheritance.

Allele frequency attached by ClinVar (database versions not stated): gnomAD exomes below 0.00001.
gnomAD v4.1: 1 of 1,614,190 alleles (0.000062%); highest among the groups gnomAD compares: Non-Finnish European, 0.000085%; no homozygotes.

Submission:

Labcorp Genetics (formerly Invitae), Labcorp
Classification: Uncertain significance for Primary familial hypertrophic cardiomyopathy; Dilated cardiomyopathy 1AA. Last evaluated: 2022-05-25. Review status: criteria provided, single submitter. Criteria: Invitae Variant Classification Sherloc (09022015). Collection method: clinical testing. Allele origin: germline.
Comment: In summary, the available evidence is currently insufficient to determine the role of this variant in disease. Therefore, it has been classified as a Variant of Uncertain Significance. Algorithms developed to predict the effect of missense changes on protein structure and function (SIFT, PolyPhen-2, Align-GVGD) all suggest that this variant is likely to be disruptive. This variant has not been reported in the literature in individuals affected with ACTN2-related conditions. This variant is not present in population databases (gnomAD no frequency). This sequence change replaces aspartic acid, which is acidic and polar, with valine, which is neutral and non-polar, at codon 370 of the ACTN2 protein (p.Asp370Val).